The following is an entry in ClinVar:

ClinVar aggregate classification (germline): Likely benign (0 of 4 stars; one submission).

Conditions:
CLCF1-related disorder. Also called: CLCF1-related condition.

Allele frequency attached by ClinVar (database versions not stated): gnomAD 0.00001; TOPMed 0.00001; gnomAD exomes 0.00002; ExAC 0.00005.

Submission:

PreventionGenetics, part of Exact Sciences
Classification: Likely benign for CLCF1-related condition. Last evaluated: 2019-05-25. Review status: no assertion criteria provided. Collection method: clinical testing. Allele origin: germline.
Comment: This variant is classified as likely benign based on ACMG/AMP sequence variant interpretation guidelines (Richards et al. 2015 PMID: 25741868, with internal and published modifications).

NM_013246.3(CLCF1):c.549C>T (p.Asp183=)

Genes: CLCF1 (cardiotrophin like cytokine factor 1; minus strand), LOC100130987 (uncharacterized LOC100130987; plus strand). Cytogenetic location: 11q13.2.
Variant type: single nucleotide variant.
Coding change: c.549C>T on transcript NM_013246.3 (MANE Select); coding-DNA position 549, C replaced by T.
Protein change: p.Asp183=; no amino-acid change (aspartic acid 183 retained).
Molecular consequence: synonymous variant.
Genome position (GRCh38, 1-based): chr11:67,365,265, G>A on the plus strand (C>T on the coding strand, the complement: CLCF1 is on the minus strand). VCF-style: chr11-67365265-G-A. GRCh37 (hg19) VCF-style: chr11-67132736-G-A.
Other names: c.519C>T, p.Asp173= (NM_001166212.2).
Identifiers: ClinVar variation 3039157 (VCV003039157.2), dbSNP rs767970190, ClinGen allele CA6136087.